The following is an entry in ClinVar:

NM_023110.3(FGFR1):c.2075A>G (p.Glu692Gly)

Gene: FGFR1 (fibroblast growth factor receptor 1; minus strand). Cytogenetic location: 8p11.23.
Variant type: single nucleotide variant.
Coding change: c.2075A>G on transcript NM_023110.3 (MANE Select); coding-DNA position 2075, A replaced by G.
Protein change: p.Glu692Gly; replaces glutamic acid 692 with glycine.
Molecular consequence: missense variant.
Genome position (GRCh38, 1-based): chr8:38,414,263, T>C on the plus strand (A>G on the coding strand, the complement: FGFR1 is on the minus strand). VCF-style: chr8-38414263-T-C. GRCh37 (hg19) VCF-style: chr8-38271781-T-C.
Other names: c.2069A>G, p.Glu690Gly (NM_001174063.2, NM_001174065.2, NM_001354367.2 and 1 more transcripts); c.2045A>G, p.Glu682Gly (NM_001174064.2); c.1808A>G, p.Glu603Gly (NM_001174066.2, NM_023105.3); c.2168A>G, p.Glu723Gly (NM_001174067.2); c.1796A>G, p.Glu599Gly (NM_001354368.2); c.2063A>G, p.Glu688Gly (NM_001354369.2); c.1802A>G, p.Glu601Gly (NM_001354370.2, NM_023106.3); short protein forms E692G, E688G, E603G, E690G, E723G, E682G, E599G, E601G.
Identifiers: ClinVar variation 50851 (VCV000050851.5), dbSNP rs397515445, ClinGen allele CA143803.

ClinVar aggregate classification (germline): Conflicting classifications of pathogenicity. Review status: criteria provided, conflicting classifications (1 of 4 stars). 3 submissions from 3 submitters: Likely pathogenic (1); Uncertain significance (1). 1 of the submissions does not count toward it. Last evaluated 2023-08-25.

Conditions:
Hypogonadotropic hypogonadism 2 with or without anosmia (HH2). Also called: HYPOGONADOTROPIC HYPOGONADISM 2 WITHOUT ANOSMIA; HYPOGONADOTROPIC HYPOGONADISM 2 WITH OR WITHOUT ANOSMIA, SUSCEPTIBILITY TO; HYPOGONADOTROPIC HYPOGONADISM 2 WITHOUT ANOSMIA, SUSCEPTIBILITY TO; FGFR1-Related GnRH Deficiency (Kallmann Syndrome 2). Identifiers: Orphanet 478, MedGen C1563720, MONDO:0007844, OMIM 147950. Disease mechanism: loss of function.
Pfeiffer syndrome (ACS5). Also called: ACS V. Identifiers: Orphanet 710, MedGen C0220658, MONDO:0007043, OMIM 101600.
Hypogonadotropic hypogonadism 2 with anosmia. Identifiers: MedGen C4016104.

Submissions (3):

Labcorp Genetics (formerly Invitae), Labcorp
Classification: Uncertain significance for Pfeiffer syndrome; Hypogonadotropic hypogonadism 2 with or without anosmia. Last evaluated: 2023-08-25. Review status: criteria provided, single submitter. Criteria: Invitae Variant Classification Sherloc (09022015). Collection method: clinical testing. Allele origin: germline.
Comment: In summary, the available evidence is currently insufficient to determine the role of this variant in disease. Therefore, it has been classified as a Variant of Uncertain Significance. This variant disrupts the p.Glu692 amino acid residue in FGFR1. Other variant(s) that disrupt this residue have been observed in individuals with FGFR1-related conditions (PMID: 31996231), which suggests that this may be a clinically significant amino acid residue. Advanced modeling of protein sequence and biophysical properties (such as structural, functional, and spatial information, amino acid conservation, physicochemical variation, residue mobility, and thermodynamic stability) performed at Invitae indicates that this missense variant is expected to disrupt FGFR1 protein function. ClinVar contains an entry for this variant (Variation ID: 50851). This missense change has been observed in individual(s) with FGFR1-related conditions (PMID: 23643382). This variant is not present in population databases (gnomAD no frequency). This sequence change replaces glutamic acid, which is acidic and polar, with glycine, which is neutral and non-polar, at codon 692 of the FGFR1 protein (p.Glu692Gly).

Reproductive Endocrine Unit, Massachusetts General Hospital
Classification: Likely pathogenic for Hypogonadotropic hypogonadism 2 with or without anosmia. Last evaluated: 2023-05-04. Review status: criteria provided, single submitter. Criteria: ACMG Guidelines, 2015. Collection method: research. Allele origin: inherited. Affected: yes. Observed: 1 variant allele.
Comment: The variant has been classified as LP6 based on the variant meeting the following ACMG Criteria: PM2,PP3,PP1,PP2,PP4.

OMIM
Classification: risk factor for HYPOGONADOTROPIC HYPOGONADISM 2 WITH ANOSMIA, SUSCEPTIBILITY TO. Last evaluated: 2013-05-02. Review status: no assertion criteria provided. Collection method: literature only. Allele origin: germline. Not counted in ClinVar's aggregate classification.

Literature cited by the submitters: PubMed 31996231 (cited by Labcorp Genetics (formerly Invitae), Labcorp); PubMed 23643382 (cited by Labcorp Genetics (formerly Invitae), Labcorp and OMIM).